The following is an entry in ClinVar:

ClinVar aggregate classification (germline): Uncertain significance. Review status: criteria provided, multiple submitters, no conflicts (2 of 4 stars). 2 submissions from 2 submitters: Uncertain significance (2). Last evaluated 2025-11-11.

Conditions:
Inborn genetic diseases. Identifiers: MedGen C0950123, MeSH D030342.
Paroxysmal nonkinesigenic dyskinesia. Also called: Paroxysmal non-kinesigenic dyskinesia. Identifiers: Orphanet 98810, MedGen C1869117, MONDO:0700088.

Allele frequency attached by ClinVar (database versions not stated): gnomAD exomes below 0.00001; TOPMed below 0.00001; ExAC 0.00001; gnomAD 0.00001.
gnomAD v4.1: 6 of 1,613,812 alleles (0.00037%); highest among the groups gnomAD compares: Admixed American, 0.005%; no homozygotes.

Submissions (2):

Ambry Genetics
Classification: Uncertain significance for Inborn genetic diseases. Last evaluated: 2025-11-11. Review status: criteria provided, single submitter. Criteria: Ambry Variant Classification Scheme 2023. Collection method: clinical testing. Allele origin: germline.
Comment: The c.1112T>C (p.L371P) alteration is located in exon 10 (coding exon 10) of the PNKD gene. This alteration results from a T to C substitution at nucleotide position 1112, causing the leucine (L) at amino acid position 371 to be replaced by a proline (P). Based on data from gnomAD, the C allele has an overall frequency of <0.001% (1/249464) total alleles studied. The highest observed frequency was 0.003% (1/34536) of Latino alleles. Based on insufficient or conflicting evidence, the clinical significance of this alteration remains unclear.

Labcorp Genetics (formerly Invitae), Labcorp
Classification: Uncertain significance for Paroxysmal nonkinesigenic dyskinesia. Last evaluated: 2025-03-11. Review status: criteria provided, single submitter. Criteria: Invitae Variant Classification Sherloc (09022015). Collection method: clinical testing. Allele origin: germline.
Comment: This sequence change replaces leucine, which is neutral and non-polar, with proline, which is neutral and non-polar, at codon 371 of the PNKD protein (p.Leu371Pro). This variant is present in population databases (rs777859269, gnomAD 0.003%). This variant has not been reported in the literature in individuals affected with PNKD-related conditions. ClinVar contains an entry for this variant (Variation ID: 1354237). Invitae Evidence Modeling of protein sequence and biophysical properties (such as structural, functional, and spatial information, amino acid conservation, physicochemical variation, residue mobility, and thermodynamic stability) indicates that this missense variant is not expected to disrupt PNKD protein function with a negative predictive value of 80%. In summary, the available evidence is currently insufficient to determine the role of this variant in disease. Therefore, it has been classified as a Variant of Uncertain Significance.

NM_015488.5(PNKD):c.1112T>C (p.Leu371Pro)

Genes: CATIP-AS2 (CATIP antisense RNA 2; minus strand), PNKD (PNKD metallo-beta-lactamase domain containing; plus strand). Cytogenetic location: 2q35.
Variant type: single nucleotide variant.
Coding change: c.1112T>C on transcript NM_015488.5 (MANE Select); coding-DNA position 1112, T replaced by C.
Protein change: p.Leu371Pro; replaces leucine 371 with proline.
Molecular consequence: missense variant.
Genome position (GRCh38, 1-based): chr2:218,344,935, T>C. VCF-style: chr2-218344935-T-C. GRCh37 (hg19) VCF-style: chr2-219209658-T-C.
Other names: c.1040T>C, p.Leu347Pro (NM_022572.5); short protein forms L347P, L371P.
Identifiers: ClinVar variation 1354237 (VCV001354237.9), dbSNP rs777859269, ClinGen allele CA2104209.